The following is an entry in ClinVar:

ClinVar aggregate classification (germline): Uncertain significance. Review status: criteria provided, multiple submitters, no conflicts (2 of 4 stars). 2 submissions from 2 submitters: Uncertain significance (2). Last evaluated 2025-08-04.

Conditions:
Autosomal recessive severe congenital neutropenia due to CSF3R deficiency. Also called: Neutropenia, severe congenital, 7, autosomal recessive. Identifiers: Orphanet 420702, MedGen C4310764, MONDO:0014865, OMIM 617014.
Inborn genetic diseases. Identifiers: MedGen C0950123, MeSH D030342.

Allele frequency attached by ClinVar (database versions not stated): TOPMed 0.00002; gnomAD 0.00001; gnomAD exomes 0.00001.
gnomAD v4.1: 19 of 1,614,102 alleles (0.0012%); highest among the groups gnomAD compares: Non-Finnish European, 0.0015%; no homozygotes.

Submissions (2):

Labcorp Genetics (formerly Invitae), Labcorp
Classification: Uncertain significance for Autosomal recessive severe congenital neutropenia due to CSF3R deficiency. Last evaluated: 2025-08-04. Review status: criteria provided, single submitter. Criteria: Invitae Variant Classification Sherloc (09022015). Collection method: clinical testing. Allele origin: germline.
Comment: This sequence change replaces cysteine, which is neutral and slightly polar, with phenylalanine, which is neutral and non-polar, at codon 718 of the CSF3R protein (p.Cys718Phe). This variant is present in population databases (no rsID available, gnomAD 0.003%). This variant has not been reported in the literature in individuals affected with CSF3R-related conditions. ClinVar contains an entry for this variant (Variation ID: 2478159). Invitae Evidence Modeling of protein sequence and biophysical properties (such as structural, functional, and spatial information, amino acid conservation, physicochemical variation, residue mobility, and thermodynamic stability) has been performed for this missense variant. However, the output from this modeling did not meet the statistical confidence thresholds required to predict the impact of this variant on CSF3R protein function. In summary, the available evidence is currently insufficient to determine the role of this variant in disease. Therefore, it has been classified as a Variant of Uncertain Significance.

Ambry Genetics
Classification: Uncertain significance for Inborn genetic diseases. Last evaluated: 2023-01-23. Review status: criteria provided, single submitter. Criteria: Ambry Variant Classification Scheme 2023. Collection method: clinical testing. Allele origin: germline.

NM_000760.4(CSF3R):c.2153G>T (p.Cys718Phe)

Gene: CSF3R (colony stimulating factor 3 receptor; minus strand). Cytogenetic location: 1p34.3.
Variant type: single nucleotide variant.
Coding change: c.2153G>T on transcript NM_000760.4 (MANE Select); coding-DNA position 2153, G replaced by T.
Protein change: p.Cys718Phe; replaces cysteine 718 with phenylalanine.
Molecular consequence: missense variant.
Genome position (GRCh38, 1-based): chr1:36,466,715, C>A on the plus strand (G>T on the coding strand, the complement: CSF3R is on the minus strand). VCF-style: chr1-36466715-C-A. GRCh37 (hg19) VCF-style: chr1-36932316-C-A.
Other names: c.2234G>T, p.Cys745Phe (NM_156039.3); c.2153G>T, p.Cys718Phe (NM_172313.3); short protein forms C745F, C718F.
Identifiers: ClinVar variation 2478159 (VCV002478159.5), dbSNP rs1292043341, ClinGen allele CA339414920.